The following is an entry in ClinVar:

ClinVar aggregate classification (germline): Benign/Likely benign. Review status: criteria provided, multiple submitters, no conflicts (2 of 4 stars). 3 submissions from 3 submitters: Benign (1); Likely benign (1). 1 of the submissions does not count toward it. Last evaluated 2023-02-06.

Conditions:
Polycystic kidney disease, adult type (PKD1). Also called: POLYCYSTIC KIDNEY DISEASE 1 WITH OR WITHOUT POLYCYSTIC LIVER DISEASE; Polycystic Kidney Disease 1, Autosomal Dominant; Polycystic kidney disease 1; Polycystic kidney disease 1, severe; Polycystic Kidney, Autosomal Dominant; POLYCYSTIC KIDNEY DISEASE, ADULT, TYPE I. Identifiers: MedGen C3149841, MONDO:0008263, OMIM 173900.
PKD1-related disorder. Also called: PKD1-related condition.

Allele frequency attached by ClinVar (database versions not stated): 1000 Genomes Project 30x 0.00109; 1000 Genomes Project 0.00140.
gnomAD v4.1: 755 of 1,610,790 alleles (0.047%); highest among the groups gnomAD compares: East Asian, 1.5%; 6 homozygotes.

Submissions (3):

Department of Pathology and Laboratory Medicine, Sinai Health System
Classification: Benign for Polycystic kidney disease, adult type. Last evaluated: 2023-02-06. Review status: criteria provided, single submitter. Criteria: ACMG Guidelines, 2015. Collection method: clinical testing. Allele origin: germline. Affected: yes.

GeneDx
Classification: Likely benign. Last evaluated: 2020-10-08. Review status: criteria provided, single submitter. Criteria: GeneDx Variant Classification Process June 2021. Collection method: clinical testing. Allele origin: germline. Affected: yes.
Comment: This variant is associated with the following publications: (PMID: 15775720, 30333007, 28578020, 26920127)

PreventionGenetics, part of Exact Sciences
Classification: Likely benign for PKD1-related condition. Last evaluated: 2022-03-31. Review status: no assertion criteria provided. Collection method: clinical testing. Allele origin: germline. Not counted in ClinVar's aggregate classification.
Comment: This variant is classified as likely benign based on ACMG/AMP sequence variant interpretation guidelines (Richards et al. 2015 PMID: 25741868, with internal and published modifications).

NM_001009944.3(PKD1):c.3931G>A (p.Ala1311Thr)

Gene: PKD1 (polycystin 1, transient receptor potential channel interacting; minus strand). Cytogenetic location: 16p13.3.
Variant type: single nucleotide variant.
Coding change: c.3931G>A on transcript NM_001009944.3 (MANE Select); coding-DNA position 3931, G replaced by A.
Protein change: p.Ala1311Thr; replaces alanine 1311 with threonine.
Molecular consequence: missense variant.
Genome position (GRCh38, 1-based): chr16:2,111,236, C>T on the plus strand (G>A on the coding strand, the complement: PKD1 is on the minus strand). VCF-style: chr16-2111236-C-T. GRCh37 (hg19) VCF-style: chr16-2161237-C-T.
Other names: c.3931G>A, p.Ala1311Thr (NM_000296.4); short protein forms A1311T.
Identifiers: ClinVar variation 1197776 (VCV001197776.5), dbSNP rs146169133, ClinGen allele CA7832572.